The following is an entry in ClinVar:

NM_001253697.2(ERBIN):c.2219G>T (p.Arg740Leu)

Gene: ERBIN (erbb2 interacting protein; plus strand). Cytogenetic location: 5q12.3.
Variant type: single nucleotide variant.
Coding change: c.2219G>T on transcript NM_001253697.2 (MANE Select); coding-DNA position 2219, G replaced by T.
Protein change: p.Arg740Leu; replaces arginine 740 with leucine.
Molecular consequence: missense variant.
Genome position (GRCh38, 1-based): chr5:66,053,537, G>T. VCF-style: chr5-66053537-G-T. GRCh37 (hg19) VCF-style: chr5-65349365-G-T.
Other names: c.2219G>T, p.Arg740Leu (NM_001006600.3, NM_001253698.2, NM_001253699.2 and 1 more transcripts); c.2207G>T, p.Arg736Leu (NM_001253701.2); short protein forms R736L, R740L.
Identifiers: ClinVar variation 3701371 (VCV003701371.2).

ClinVar aggregate classification (germline): Uncertain significance (1 of 4 stars; one submission).

gnomAD v4.1: 3 of 1,611,544 alleles (0.00019%); highest among the groups gnomAD compares: South Asian, 0.0011%; no homozygotes.

Submission:

Labcorp Genetics (formerly Invitae), Labcorp
Classification: Uncertain significance. Last evaluated: 2024-04-03. Review status: criteria provided, single submitter. Criteria: Invitae Variant Classification Sherloc (09022015). Collection method: clinical testing. Allele origin: germline.
Comment: This sequence change replaces arginine, which is basic and polar, with leucine, which is neutral and non-polar, at codon 740 of the ERBIN protein (p.Arg740Leu). This variant is present in population databases (rs374901776, gnomAD 0.01%). This variant has not been reported in the literature in individuals affected with ERBIN-related conditions. An algorithm developed to predict the effect of missense changes on protein structure and function (PolyPhen-2) suggests that this variant is likely to be tolerated. In summary, the available evidence is currently insufficient to determine the role of this variant in disease. Therefore, it has been classified as a Variant of Uncertain Significance.